The following is an entry in ClinVar:

NM_005070.4(SLC4A3):c.2330C>G (p.Ala777Gly)

Gene: SLC4A3 (solute carrier family 4 member 3; plus strand). Cytogenetic location: 2q35.
Variant type: single nucleotide variant.
Coding change: c.2330C>G on transcript NM_005070.4 (MANE Select); coding-DNA position 2330, C replaced by G.
Protein change: p.Ala777Gly; replaces alanine 777 with glycine.
Molecular consequence: missense variant. On other transcripts: non-coding transcript variant (1).
Genome position (GRCh38, 1-based): chr2:219,636,440, C>G. VCF-style: chr2-219636440-C-G. GRCh37 (hg19) VCF-style: chr2-220501162-C-G.
Other names: c.2411C>G, p.Ala804Gly (NM_001326559.2, NM_201574.3); short protein forms A804G, A777G.
Identifiers: ClinVar variation 2259640 (VCV002259640.4), dbSNP rs780678809, ClinGen allele CA2134170.

ClinVar aggregate classification (germline): Uncertain significance. Review status: criteria provided, multiple submitters, no conflicts (2 of 4 stars). 2 submissions from 2 submitters: Uncertain significance (2). Last evaluated 2025-07-04.

Conditions:
Short QT syndrome 7 (SQT7). Identifiers: MedGen C5774304, MONDO:0859368, OMIM 620231.
Inborn genetic diseases. Identifiers: MedGen C0950123, MeSH D030342.

Allele frequency attached by ClinVar (database versions not stated): ExAC 0.00001; TOPMed 0.00002; gnomAD 0.00003.
gnomAD v4.1: 17 of 1,608,708 alleles (0.0011%); highest among the groups gnomAD compares: Admixed American, 0.0034%; no homozygotes.

Submissions (2):

Victorian Clinical Genetics Services, Murdoch Childrens Research Institute
Classification: Uncertain significance for Short QT syndrome 7. Last evaluated: 2025-07-04. Review status: criteria provided, single submitter. Criteria: ACMG Guidelines, 2015. Collection method: clinical testing. Allele origin: germline. Affected: yes.
Comment: This variant is classified as VUS-3B. Evidence in support of pathogenic classification: Variant is present in gnomAD <0.001 for a dominant condition (v4: 17 heterozygote(s), 0 homozygote(s)); Missense variant predicted to be damaging by in silico tool(s) or highly conserved with a major amino acid change. Additional information: Variant is predicted to result in a missense amino acid change from Ala to Gly; This variant is heterozygous; This gene is associated with autosomal dominant disease; Alternative amino acid change(s) at the same position are present in gnomAD (Highest alelle count: v4: 2 heterozygote(s), 0 homozygote(s)); Previous evidence of pathogenicity for this variant is inconclusive. This variant has been classified as a VUS by a clinical laboratory in ClinVar; No published evidence of segregation with disease has been identified for this variant; No published functional evidence has been identified for this variant; No comparable missense variants have previous evidence for pathogenicity; Variant is located in the annotated HCO3-transporter integral membrane domain (DECIPHER); Loss of function is a known mechanism of disease in this gene and is associated with short QT syndrome 7 (MIM#620231) (PMID: 29167417, 36806574); Inheritance information for this variant is not currently available in this individual.

Ambry Genetics
Classification: Uncertain significance for Inborn genetic diseases. Last evaluated: 2021-11-09. Review status: criteria provided, single submitter. Criteria: Ambry Variant Classification Scheme 2023. Collection method: clinical testing. Allele origin: germline.

Literature cited by the submitters: PubMed 36806574 (cited by Victorian Clinical Genetics Services, Murdoch Childrens Research Institute); PubMed 29167417 (cited by Victorian Clinical Genetics Services, Murdoch Childrens Research Institute).